The following is an entry in ClinVar:

ClinVar aggregate classification (germline): Benign (1 of 4 stars; one submission).

Conditions:
Leigh syndrome (NULS). Also called: Leigh's necrotizing encephalopathy; Leigh's disease; Leigh Syndrome (mtDNA deletion); Leigh Disease; Subacute necrotizing encephalopathy; Necrotizing encephalopathy infantile subacute of Leigh. Identifiers: Orphanet 506, MedGen C2931891, MONDO:0009723, OMIM 256000.

Submission:

Wong Mito Lab, Molecular and Human Genetics, Baylor College of Medicine
Classification: Benign for Leigh syndrome. Last evaluated: 2019-10-17. Review status: criteria provided, single submitter. Criteria: Modified ACMG Guidelines (Unpublished). Collection method: clinical testing. Allele origin: germline.
Comment: The NC_012920.1:m.6852G>A (YP_003024028.1:p.Gly317Ser) variant in MTCO1 gene is interpretated to be a Benign variant based on the modified ACMG guidelines (unpublished). This variant meets the following evidence codes: BS1, BS2

NC_012920.1(MT-CO1):m.6852G>A

Gene: MT-CO1 (mitochondrially encoded cytochrome c oxidase I; plus strand).
Variant type: single nucleotide variant.
Genome position: chrM-6852-G-A.
Identifiers: ClinVar variation 692675 (VCV000692675.1), dbSNP rs1603220651, ClinGen allele CA414786783.